The following is an entry in ClinVar:

NM_001271938.2(MEGF8):c.6310G>T (p.Ala2104Ser)

Gene: MEGF8 (multiple EGF like domains 8; plus strand). Cytogenetic location: 19q13.2.
Variant type: single nucleotide variant.
Coding change: c.6310G>T on transcript NM_001271938.2 (MANE Select); coding-DNA position 6310, G replaced by T.
Protein change: p.Ala2104Ser; replaces alanine 2104 with serine.
Molecular consequence: missense variant.
Genome position (GRCh38, 1-based): chr19:42,368,491, G>T. VCF-style: chr19-42368491-G-T. GRCh37 (hg19) VCF-style: chr19-42872643-G-T.
Other names: c.6109G>T, p.Ala2037Ser (NM_001410.3); short protein forms A2037S, A2104S.
Identifiers: ClinVar variation 561156 (VCV000561156.8), dbSNP rs772768716, ClinGen allele CA9475835.

ClinVar aggregate classification (germline): Uncertain significance. Review status: criteria provided, multiple submitters, no conflicts (2 of 4 stars). 4 submissions from 4 submitters: Uncertain significance (4). Last evaluated 2022-06-28.

Conditions:
MEGF8-related Carpenter syndrome. Also called: Carpenter syndrome 2. Identifiers: Orphanet 65759, MedGen C3554247, MONDO:0013998, OMIM 614976.

Allele frequency attached by ClinVar (database versions not stated): gnomAD 0.00001; TOPMed 0.00002; ExAC 0.00006; gnomAD exomes 0.00007.
gnomAD v4.1: 18 of 1,609,892 alleles (0.0011%); highest among the groups gnomAD compares: Admixed American, 0.028%; no homozygotes.

Submissions (4):

Labcorp Genetics (formerly Invitae), Labcorp
Classification: Uncertain significance for MEGF8-related Carpenter syndrome. Last evaluated: 2022-06-28. Review status: criteria provided, single submitter. Criteria: Invitae Variant Classification Sherloc (09022015). Collection method: clinical testing. Allele origin: germline.
Comment: This sequence change replaces alanine, which is neutral and non-polar, with serine, which is neutral and polar, at codon 2037 of the MEGF8 protein (p.Ala2037Ser). This variant is present in population databases (rs772768716, gnomAD 0.05%). This variant has not been reported in the literature in individuals affected with MEGF8-related conditions. ClinVar contains an entry for this variant (Variation ID: 561156). Algorithms developed to predict the effect of missense changes on protein structure and function (SIFT, PolyPhen-2, Align-GVGD) all suggest that this variant is likely to be tolerated. In summary, the available evidence is currently insufficient to determine the role of this variant in disease. Therefore, it has been classified as a Variant of Uncertain Significance.

Department of Pathology and Laboratory Medicine, Sinai Health System
Classification: Uncertain significance for MEGF8-related Carpenter syndrome. Last evaluated: 2021-12-28. Review status: criteria provided, single submitter. Criteria: ACMG Guidelines, 2015. Collection method: research. Allele origin: germline.

GeneDx
Classification: Uncertain significance. Last evaluated: 2021-04-29. Review status: criteria provided, single submitter. Criteria: GeneDx Variant Classification Process June 2021. Collection method: clinical testing. Allele origin: germline. Affected: yes.
Comment: In silico analysis supports that this missense variant does not alter protein structure/function; This variant is associated with the following publications: (PMID: 25326635, 28492532)

Baylor Genetics
Classification: Uncertain significance for MEGF8-related Carpenter syndrome. Last evaluated: 2017-09-01. Review status: criteria provided, single submitter. Criteria: ACMG Guidelines, 2015. Collection method: clinical testing. Allele origin: germline. Inheritance: Autosomal recessive inheritance. Affected: yes.
Comment: Heterozygotes would be expected to be asymptomatic carriers.

Literature cited by the submitters: PubMed 25326635 (cited by Baylor Genetics).